The following is an entry in ClinVar:

ClinVar aggregate classification (germline): Uncertain significance (1 of 4 stars; one submission).

Submission:

GeneDx
Classification: Uncertain significance. Last evaluated: 2022-05-18. Review status: criteria provided, single submitter. Criteria: GeneDx Variant Classification Process June 2021. Collection method: clinical testing. Allele origin: germline. Affected: yes.
Comment: Not observed at significant frequency in large population cohorts (gnomAD); In silico analysis supports that this missense variant has a deleterious effect on protein structure/function; Has not been previously published as pathogenic or benign to our knowledge

NM_003824.4(FADD):c.346G>C (p.Ala116Pro)

Gene: FADD (Fas associated via death domain; plus strand). Cytogenetic location: 11q13.3.
Variant type: single nucleotide variant.
Coding change: c.346G>C on transcript NM_003824.4 (MANE Select); coding-DNA position 346, G replaced by C.
Protein change: p.Ala116Pro; replaces alanine 116 with proline.
Molecular consequence: missense variant.
Genome position (GRCh38, 1-based): chr11:70,206,192, G>C. VCF-style: chr11-70206192-G-C. GRCh37 (hg19) VCF-style: chr11-70052298-G-C.
Other names: short protein forms A116P.
Identifiers: ClinVar variation 1686663 (VCV001686663.2), dbSNP rs374231786, ClinGen allele CA381666005.